The following is an entry in ClinVar:

NM_015338.6(ASXL1):c.2995A>C (p.Thr999Pro)

Gene: ASXL1 (ASXL transcriptional regulator 1; plus strand). Cytogenetic location: 20q11.21.
Variant type: single nucleotide variant.
Coding change: c.2995A>C on transcript NM_015338.6 (MANE Select); coding-DNA position 2995, A replaced by C.
Protein change: p.Thr999Pro; replaces threonine 999 with proline.
Molecular consequence: missense variant.
Genome position (GRCh38, 1-based): chr20:32,435,707, A>C. VCF-style: chr20-32435707-A-C. GRCh37 (hg19) VCF-style: chr20-31023510-A-C.
Other names: c.2812A>C, p.Thr938Pro (NM_001363734.1); short protein forms T999P, T938P.
Identifiers: ClinVar variation 3957489 (VCV003957489.1).

ClinVar aggregate classification (germline): Uncertain significance (1 of 4 stars; one submission).

Conditions:
Inborn genetic diseases. Identifiers: MedGen C0950123, MeSH D030342.

Submission:

Ambry Genetics
Classification: Uncertain significance for Inborn genetic diseases. Last evaluated: 2025-05-31. Review status: criteria provided, single submitter. Criteria: Ambry Variant Classification Scheme 2023. Collection method: clinical testing. Allele origin: germline.
Comment: The p.T999P variant (also known as c.2995A>C), located in coding exon 13 of the ASXL1 gene, results from an A to C substitution at nucleotide position 2995. The threonine at codon 999 is replaced by proline, an amino acid with highly similar properties. This amino acid position is conserved. In addition, the in silico prediction for this alteration is inconclusive. Based on the available evidence, the clinical significance of this variant remains unclear.